The following is an entry in ClinVar:

ClinVar aggregate classification (germline): Uncertain significance (1 of 4 stars; one submission).

Conditions:
Kabuki syndrome. Also called: NIIKAWA-KUROKI SYNDROME; Kabuki make-up syndrome. Identifiers: Orphanet 2322, MedGen C0796004, MONDO:0016512.

Submission:

Labcorp Genetics (formerly Invitae), Labcorp
Classification: Uncertain significance for Kabuki syndrome. Last evaluated: 2024-07-19. Review status: criteria provided, single submitter. Criteria: Invitae Variant Classification Sherloc (09022015). Collection method: clinical testing. Allele origin: germline.
Comment: This sequence change replaces histidine, which is basic and polar, with tyrosine, which is neutral and polar, at codon 250 of the KMT2D protein (p.His250Tyr). This variant is not present in population databases (gnomAD no frequency). This variant has not been reported in the literature in individuals affected with KMT2D-related conditions. Advanced modeling of protein sequence and biophysical properties (such as structural, functional, and spatial information, amino acid conservation, physicochemical variation, residue mobility, and thermodynamic stability) performed at Invitae indicates that this missense variant is expected to disrupt KMT2D protein function with a positive predictive value of 95%. In summary, the available evidence is currently insufficient to determine the role of this variant in disease. Therefore, it has been classified as a Variant of Uncertain Significance.

NM_003482.4(KMT2D):c.748C>T (p.His250Tyr)

Gene: KMT2D (lysine methyltransferase 2D; minus strand). Cytogenetic location: 12q13.12.
Variant type: single nucleotide variant.
Coding change: c.748C>T on transcript NM_003482.4 (MANE Select); coding-DNA position 748, C replaced by T.
Protein change: p.His250Tyr; replaces histidine 250 with tyrosine.
Molecular consequence: missense variant.
Genome position (GRCh38, 1-based): chr12:49,053,567, G>A on the plus strand (C>T on the coding strand, the complement: KMT2D is on the minus strand). VCF-style: chr12-49053567-G-A. GRCh37 (hg19) VCF-style: chr12-49447350-G-A.
Other names: short protein forms H250Y.
Identifiers: ClinVar variation 3635175 (VCV003635175.2).